The following is an entry in ClinVar:

ClinVar aggregate classification (germline): Benign/Likely benign. Review status: criteria provided, multiple submitters, no conflicts (2 of 4 stars). 15 submissions from 13 submitters: Benign (4); Likely benign (8). 3 of the submissions do not count toward it. Last evaluated 2026-01-26.

Conditions:
DSP-related disorder. Also called: DSP-related condition; DSP-related disorders.
Cardiovascular phenotype. Identifiers: MedGen CN230736.
Woolly hair-skin fragility syndrome (WHSF). Identifiers: Orphanet 293165, MedGen C1843292, MONDO:0957307, OMIM 620415.
Arrhythmogenic right ventricular dysplasia 8 (ARVD8). Also called: ARRHYTHMOGENIC RIGHT VENTRICULAR DYSPLASIA, FAMILIAL, 8; ARRHYTHMOGENIC RIGHT VENTRICULAR CARDIOMYOPATHY 8; Arrhythmogenic Right Ventricular Dysplasia/Cardiomyopathy 8. Identifiers: MedGen C1843896, MONDO:0011831, OMIM 607450.
Arrhythmogenic cardiomyopathy with wooly hair and keratoderma. Also called: PALMOPLANTAR KERATODERMA WITH LEFT VENTRICULAR CARDIOMYOPATHY AND WOOLLY HAIR; Dilated cardiomyopathy with woolly hair and keratoderma; Arrhythmogenic cardiomyopathy with woolly hair and keratoderma; Carvajal syndrome. Identifiers: Orphanet 65282, MedGen C1854063, MONDO:0011581, OMIM 605676.
Cardiomyopathy, dilated, with wooly hair, keratoderma, and tooth agenesis. Also called: Cardiomyopathy, dilated, with woolly hair, keratoderma, and tooth agenesis; Erythrokeratodermia-cardiomyopathy syndrome. Identifiers: Orphanet 476096, Orphanet 65282, MedGen C4014393, MONDO:0014355, OMIM 615821.
Keratosis palmoplantaris striata 2. Also called: Keratosis palmoplantaris striata II; KERATODERMA, PALMOPLANTAR, STRIATE FORM II; STRIATE PALMOPLANTAR KERATODERMA II. Identifiers: MedGen C1852127, MONDO:0013034, OMIM 612908.
Lethal acantholytic epidermolysis bullosa (EBLA). Identifiers: Orphanet 158687, MedGen C1864826, MONDO:0012323, OMIM 609638.
Cardiomyopathy (CMYO). Also called: Cardiomyopathies. Identifiers: Orphanet 167848, MedGen C0878544, MONDO:0004994, HP:0001638. Inheritance: Various modes of inheritance.

Allele frequency attached by ClinVar (database versions not stated): gnomAD exomes 0.00009 and 0.00030; gnomAD 0.00011 and 0.00015; ExAC 0.00034; TOPMed 0.00034; 1000 Genomes Project 0.00060; 1000 Genomes Project 30x 0.00062.
gnomAD v4.1: 159 of 1,614,174 alleles (0.0099%); highest among the groups gnomAD compares: East Asian, 0.33%; no homozygotes.

Submissions (15):

Labcorp Genetics (formerly Invitae), Labcorp
Classification: Benign for Arrhythmogenic cardiomyopathy with wooly hair and keratoderma; Arrhythmogenic right ventricular dysplasia 8. Last evaluated: 2026-01-26. Review status: criteria provided, single submitter. Criteria: Invitae Variant Classification Sherloc (09022015). Collection method: clinical testing. Allele origin: germline.

Blueprint Genetics
Classification: Likely benign. Last evaluated: 2024-11-20. Review status: criteria provided, single submitter. Criteria: ACMG Guidelines, 2015. Collection method: clinical testing. Allele origin: germline.

All of Us Research Program, National Institutes of Health
Classification: Likely benign for Arrhythmogenic cardiomyopathy with wooly hair and keratoderma. Last evaluated: 2024-09-23. Review status: criteria provided, single submitter. Criteria: ACMG Guidelines, 2015. Collection method: clinical testing. Allele origin: germline. Inheritance: Autosomal dominant inheritance. Observed: 23 variant alleles, 23 heterozygotes.
Comment: This study involves interpretation of variants in research participants for the purpose of population health screening. Participant phenotype was not available at the time of variant classification. Additional details can be found in publication PMID: 35346344, PMCID: PMC8962531

Fulgent Genetics
Classification: Likely benign for Arrhythmogenic cardiomyopathy with wooly hair and keratoderma; Arrhythmogenic right ventricular dysplasia 8; Lethal acantholytic epidermolysis bullosa; Keratosis palmoplantaris striata 2; Cardiomyopathy, dilated, with wooly hair, keratoderma, and tooth agenesis. Last evaluated: 2021-08-23. Review status: criteria provided, single submitter. Criteria: ACMG Guidelines, 2015. Collection method: clinical testing. Allele origin: unknown.

GeneDx
Classification: Likely benign. Last evaluated: 2021-02-11. Review status: criteria provided, single submitter. Criteria: GeneDx Variant Classification Process June 2021. Collection method: clinical testing. Allele origin: germline. Affected: yes.
Comment: This variant is associated with the following publications: (PMID: 24125834, 26585738, 30731207)

Women's Health and Genetics/Laboratory Corporation of America, LabCorp
Classification: Likely benign. Last evaluated: 2021-02-08. Review status: criteria provided, single submitter. Criteria: LabCorp Variant Classification Summary - May 2015. Collection method: clinical testing. Allele origin: germline.
Comment: Variant summary: DSP c.6799A>T (p.Thr2267Ser) results in a conservative amino acid change in the encoded protein sequence. Four of five in-silico tools predict a benign effect of the variant on protein function. The variant allele was found at a frequency of 0.00031 in 252048 control chromosomes (gnomAD and publication data), predominantly at a frequency of 0.0041 within the East Asian subpopulation in the gnomAD database, including 1 homozygote. The observed variant frequency within East Asian control individuals in the gnomAD database is approximately 21 fold of the estimated maximal expected allele frequency for a pathogenic variant in DSP causing Arrhythmogenic Right Ventricular Dysplasia/Cardiomyopathy phenotype (0.0002), strongly suggesting that the variant is a benign polymorphism found primarily in populations of East Asian origin. c.6799A>T has been reported in the literature in individuals affected with Arrhythmogenic Right Ventricular Dysplasia/Cardiomyopathy and Early Repolarization syndrome (Bao_2013, Zhao_2016, Daoud_2019). These reports do not provide unequivocal conclusions about association of the variant with Arrhythmogenic Right Ventricular Dysplasia/Cardiomyopathy. To our knowledge, no experimental evidence demonstrating an impact on protein function has been reported. Five ClinVar submitters (evaluation after 2014) cite the variant as benign (n=2) and likely benign (n=3). Based on the evidence outlined above, the variant was classified as likely benign.

Ambry Genetics
Classification: Likely benign for Cardiovascular phenotype. Last evaluated: 2020-10-05. Review status: criteria provided, single submitter. Criteria: Ambry Variant Classification Scheme 2023. Collection method: clinical testing. Allele origin: germline.

Color Diagnostics, LLC DBA Color Health
Classification: Likely benign for Cardiomyopathy. Last evaluated: 2018-12-02. Review status: criteria provided, single submitter. Criteria: ACMG Guidelines, 2015. Collection method: clinical testing. Allele origin: germline.

Illumina Laboratory Services, Illumina
Classification: Benign for Arrhythmogenic right ventricular dysplasia 8. Last evaluated: 2018-03-20. Review status: criteria provided, single submitter. Criteria: ICSL Variant Classification Criteria 13 December 2019. Collection method: clinical testing. Allele origin: germline.
Comment: This variant was observed in the ICSL laboratory as part of a predisposition screen in an ostensibly healthy population. It had not been previously curated by ICSL or reported in the Human Gene Mutation Database (HGMD: prior to June 1st, 2018), and was therefore a candidate for classification through an automated scoring system. Utilizing variant allele frequency, disease prevalence and penetrance estimates, and inheritance mode, an automated score was calculated to assess if this variant is too frequent to cause the disease. Based on the score and internal cut-off values, a variant classified as benign is not then subjected to further curation. The score for this variant resulted in a classification of benign for this disease.

Illumina Laboratory Services, Illumina
Classification: Benign for Lethal acantholytic epidermolysis bullosa. Last evaluated: 2018-03-20. Review status: criteria provided, single submitter. Criteria: ICSL Variant Classification Criteria 13 December 2019. Collection method: clinical testing. Allele origin: germline.
Comment: the same text as in the submission from Illumina Laboratory Services, Illumina above.

Illumina Laboratory Services, Illumina
Classification: Benign for Arrhythmogenic cardiomyopathy with wooly hair and keratoderma. Last evaluated: 2018-03-20. Review status: criteria provided, single submitter. Criteria: ICSL Variant Classification Criteria 13 December 2019. Collection method: clinical testing. Allele origin: germline.
Comment: the same text as in the submission from Illumina Laboratory Services, Illumina above.

Laboratory for Molecular Medicine, Mass General Brigham Personalized Medicine
Classification: Likely benign. Last evaluated: 2015-03-13. Review status: criteria provided, single submitter. Criteria: LMM Criteria. Collection method: clinical testing. Allele origin: germline. Observed: 1 variant allele.
Comment: p.Thr2267Ser in exon 24 of DSP: This variant is not expected to have clinical si gnificance because it has been identified in 0.5% (40/8640) of East Asian chromo somes by the Exome Aggregation Consortium (ExAC; dbSNP rs181378432).

PreventionGenetics, part of Exact Sciences
Classification: Likely benign for DSP-related condition. Last evaluated: 2023-03-03. Review status: no assertion criteria provided. Collection method: clinical testing. Allele origin: germline. Not counted in ClinVar's aggregate classification.
Comment: This variant is classified as likely benign based on ACMG/AMP sequence variant interpretation guidelines (Richards et al. 2015 PMID: 25741868, with internal and published modifications).

Clinical Genetics, Academic Medical Center
Classification: Benign. Review status: no assertion criteria provided. Collection method: clinical testing. Allele origin: germline. Affected: yes. Study: VKGL Data-share Consensus. Not counted in ClinVar's aggregate classification.

Joint Genome Diagnostic Labs from Nijmegen and Maastricht, Radboudumc and MUMC+
Classification: Likely benign. Review status: no assertion criteria provided. Collection method: clinical testing. Allele origin: germline. Affected: yes. Study: VKGL Data-share Consensus. Not counted in ClinVar's aggregate classification.

Literature cited by the submitters: PubMed 24125834 (cited by 3 submitters); PubMed 26585738 (cited by Women's Health and Genetics/Laboratory Corporation of America, LabCorp); PubMed 29802319 (cited by Women's Health and Genetics/Laboratory Corporation of America, LabCorp); PubMed 30731207 (cited by Women's Health and Genetics/Laboratory Corporation of America, LabCorp and Ambry Genetics); PubMed 31118017 (cited by Women's Health and Genetics/Laboratory Corporation of America, LabCorp).

NM_004415.4(DSP):c.6799A>T (p.Thr2267Ser)

Gene: DSP (desmoplakin; plus strand). Cytogenetic location: 6p24.3.
Variant type: single nucleotide variant.
Coding change: c.6799A>T on transcript NM_004415.4 (MANE Select); coding-DNA position 6799, A replaced by T.
Protein change: p.Thr2267Ser; replaces threonine 2267 with serine.
Molecular consequence: missense variant.
Genome position (GRCh38, 1-based): chr6:7,584,061, A>T. VCF-style: chr6-7584061-A-T. GRCh37 (hg19) VCF-style: chr6-7584294-A-T.
Other names: c.5002A>T, p.Thr1668Ser (NM_001008844.3); c.5470A>T, p.Thr1824Ser (NM_001319034.2); short protein forms T2267S, T1668S, T1824S.
Identifiers: ClinVar variation 188472 (VCV000188472.40), dbSNP rs181378432, ClinGen allele CA007022.